The following is an entry in ClinVar:

NM_003327.4(TNFRSF4):c.472G>T (p.Ala158Ser)

Gene: TNFRSF4 (TNF receptor superfamily member 4; minus strand). Cytogenetic location: 1p36.33.
Variant type: single nucleotide variant.
Coding change: c.472G>T on transcript NM_003327.4 (MANE Select); coding-DNA position 472, G replaced by T.
Protein change: p.Ala158Ser; replaces alanine 158 with serine.
Molecular consequence: missense variant.
Genome position (GRCh38, 1-based): chr1:1,212,104, C>A on the plus strand (G>T on the coding strand, the complement: TNFRSF4 is on the minus strand). VCF-style: chr1-1212104-C-A. GRCh37 (hg19) VCF-style: chr1-1147484-C-A.
Other names: c.472G>T, p.Ala158Ser (LRG_1319t1); short protein forms A158S.
Identifiers: ClinVar variation 655146 (VCV000655146.12), dbSNP rs755162827, ClinGen allele CA512447.

ClinVar aggregate classification (germline): Uncertain significance (1 of 4 stars; one submission).

Conditions:
Combined immunodeficiency due to OX40 deficiency. Also called: OX40 DEFICIENCY; Immunodeficiency 16. Identifiers: Orphanet 431149, MedGen C3810053, MONDO:0014268, OMIM 615593.

Allele frequency attached by ClinVar (database versions not stated): gnomAD 0.00001; TOPMed 0.00002.
gnomAD v4.1: 129 of 1,612,488 alleles (0.008%); highest among the groups gnomAD compares: Non-Finnish European, 0.011%; no homozygotes.

Submission:

Labcorp Genetics (formerly Invitae), Labcorp
Classification: Uncertain significance for Combined immunodeficiency due to OX40 deficiency. Last evaluated: 2025-12-01. Review status: criteria provided, single submitter. Criteria: Invitae Variant Classification Sherloc (09022015). Collection method: clinical testing. Allele origin: germline.
Comment: This sequence change replaces alanine, which is neutral and non-polar, with serine, which is neutral and polar, at codon 158 of the TNFRSF4 protein (p.Ala158Ser). This variant is present in population databases (rs755162827, gnomAD 0.003%). This variant has not been reported in the literature in individuals affected with TNFRSF4-related conditions. ClinVar contains an entry for this variant (Variation ID: 655146). Invitae Evidence Modeling of protein sequence and biophysical properties (such as structural, functional, and spatial information, amino acid conservation, physicochemical variation, residue mobility, and thermodynamic stability) indicates that this missense variant is not expected to disrupt TNFRSF4 protein function with a negative predictive value of 80%. In summary, the available evidence is currently insufficient to determine the role of this variant in disease. Therefore, it has been classified as a Variant of Uncertain Significance.